The following is an entry in ClinVar:

NM_001457.4(FLNB):c.2689G>A (p.Asp897Asn)

Gene: FLNB (filamin B; plus strand). Cytogenetic location: 3p14.3.
Variant type: single nucleotide variant.
Coding change: c.2689G>A on transcript NM_001457.4 (MANE Select); coding-DNA position 2689, G replaced by A.
Protein change: p.Asp897Asn; replaces aspartic acid 897 with asparagine.
Molecular consequence: missense variant.
Genome position (GRCh38, 1-based): chr3:58,112,262, G>A. VCF-style: chr3-58112262-G-A. GRCh37 (hg19) VCF-style: chr3-58097989-G-A.
Other names: c.2689G>A, p.Asp897Asn (NM_001164317.2, NM_001164318.2, NM_001164319.2); short protein forms D897N.
Identifiers: ClinVar variation 4801696 (VCV004801696.1).
Genomic context (GRCh38, chr3:58,112,262, plus strand): 5'-AAAGCCCCGCTCAACGTGCAGTTCAACAGCCCTCTTCCTGGCGATGCAGTGAAGGATTTG[G>A]ATATCATCGATAATTATGACTACTCTCACACGGTTAAATATACACCCACCCAACAGGTAG-3'
Protein context (NP_001448.2, residues 887-907): PLPGDAVKDL[Asp897Asn]IIDNYDYSHT

ClinVar aggregate classification (germline): Uncertain significance (1 of 4 stars; one submission).

Submission:

Labcorp Genetics (formerly Invitae), Labcorp
Classification: Uncertain significance. Last evaluated: 2025-12-24. Review status: criteria provided, single submitter. Criteria: Invitae Variant Classification Sherloc (09022015). Collection method: clinical testing. Allele origin: germline.
Comment: This sequence change replaces aspartic acid, which is acidic and polar, with asparagine, which is neutral and polar, at codon 897 of the FLNB protein (p.Asp897Asn). This variant is not present in population databases (gnomAD no frequency). This variant has not been reported in the literature in individuals affected with FLNB-related conditions. Invitae Evidence Modeling of protein sequence and biophysical properties (such as structural, functional, and spatial information, amino acid conservation, physicochemical variation, residue mobility, and thermodynamic stability) indicates that this missense variant is not expected to disrupt FLNB protein function with a negative predictive value of 95%. In summary, the available evidence is currently insufficient to determine the role of this variant in disease. Therefore, it has been classified as a Variant of Uncertain Significance.